The following is an entry in ClinVar:

ClinVar aggregate classification (germline): Conflicting classifications of pathogenicity. Review status: criteria provided, conflicting classifications (1 of 4 stars). 4 submissions from 4 submitters: Pathogenic (1); Uncertain significance (2). 1 of the submissions does not count toward it. Last evaluated 2025-07-18.

Conditions:
Polycystic kidney disease. Also called: Kidney, Polycystic; Polycystic kidney dysplasia. Identifiers: MedGen C0022680, MeSH D007690, MONDO:0020642, HP:0000113.
Polycystic kidney disease, adult type (PKD1). Also called: Polycystic Kidney Disease 1, Autosomal Dominant; Polycystic kidney disease 1; Polycystic kidney disease 1, severe; POLYCYSTIC KIDNEY DISEASE 1 WITH OR WITHOUT POLYCYSTIC LIVER DISEASE; POLYCYSTIC KIDNEY DISEASE, ADULT, TYPE I; Polycystic Kidney, Autosomal Dominant. Identifiers: MedGen C3149841, MONDO:0008263, OMIM 173900.

Allele frequency attached by ClinVar (database versions not stated): gnomAD exomes below 0.00001; ExAC 0.00001.

Submissions (4):

Women's Health and Genetics/Laboratory Corporation of America, LabCorp
Classification: Pathogenic for Polycystic kidney disease, adult type. Last evaluated: 2025-07-18. Review status: criteria provided, single submitter. Criteria: LabCorp Variant Classification Summary - May 2015. Collection method: clinical testing. Allele origin: germline.
Comment: Variant summary: PKD1 c.12048C>T results in a synonymous change. Several computational tools predict a significant impact on normal splicing: Three predict the variant creates a cryptic 5' donor site while one predicts the variant strengthens a cryptic 5' donor site. At least one publication reports experimental evidence that this variant affects mRNA splicing showing the variant causes a 62-bp deletion transcript and thus frameshift (Sun_2025). The variant allele was found at a frequency of 4.1e-06 in 246288 control chromosomes. c.12048C>T has been observed in multiple individuals affected with Polycystic Kidney Disease 1, and the variant segregated in 6 family members affected with autosomal dominant polycystic kidney disease (Sun_2025). The following publication has been ascertained in the context of this evaluation (PMID: 40069205). ClinVar contains an entry for this variant (Variation ID: 997222). Based on the evidence outlined above, the variant was classified as pathogenic.

GeneDx
Classification: Uncertain significance. Last evaluated: 2023-03-24. Review status: criteria provided, single submitter. Criteria: GeneDx Variant Classification Process June 2021. Collection method: clinical testing. Allele origin: germline. Affected: yes.
Comment: Not observed at significant frequency in large population cohorts (gnomAD); In silico analysis supports a deleterious effect on splicing; Has not been previously published as pathogenic or benign to our knowledge

Blueprint Genetics
Classification: Uncertain significance. Last evaluated: 2019-10-22. Review status: criteria provided, single submitter. Criteria: ACMG Guidelines, 2015. Collection method: clinical testing. Allele origin: germline.

Department of Pathology and Laboratory Medicine, Sinai Health System
Classification: Uncertain significance for Polycystic Kidney disease. Review status: no assertion criteria provided. Collection method: clinical testing. Allele origin: unknown. Affected: yes. Study: The Canadian Open Genetics Repository (COGR). Not counted in ClinVar's aggregate classification.
Comment: The PKD1 p.Gly4016= variant was not identified in the literature nor was it identified in the following databases: ClinVar, GeneInsight-COGR, LOVD 3.0, ADPKD Mutation Database, or PKD1-LOVD. The variant was identified in dbSNP (ID: rs756122519) as â€šÃ„ÃºNAâ€šÃ„Ã¹. The variant was also identified in control databases in 1 of 242048 chromosomes at a frequency of 0.000004 (Genome Aggregation Database Feb 27, 2017). Breakdown of the observations by population include European in 1 of 108322 chromosomes (freq: 0.000009), while the variant was not observed in the African, Other, Latino, Ashkenazi Jewish, East Asian, Finnish, or South Asian populations. The p.Gly4016= variant is not expected to have clinical significance because it does not result in a change of amino acid. The variant occurs outside of the splicing consensus sequence and 4 of 5 in silico or computational prediction software programs (SpliceSiteFinder, MaxEntScan, NNSPLICE, GeneSplicer, HumanSpliceFinder) predict a greater than 10% difference in splicing. However, this information is not predictive enough to assume pathogenicity. In summary, based on the above information the clinical significance of this variant cannot be determined with certainty at this time. This variant is classified as a variant of uncertain significance.

Literature cited by the submitters: PubMed 40069205 (cited by Women's Health and Genetics/Laboratory Corporation of America, LabCorp).

NM_001009944.3(PKD1):c.12048C>T (p.Gly4016=)

Gene: PKD1 (polycystin 1, transient receptor potential channel interacting; minus strand). Cytogenetic location: 16p13.3.
Variant type: single nucleotide variant.
Coding change: c.12048C>T on transcript NM_001009944.3 (MANE Select); coding-DNA position 12048, C replaced by T.
Protein change: p.Gly4016=; no amino-acid change (glycine 4016 retained).
Molecular consequence: synonymous variant.
Genome position (GRCh38, 1-based): chr16:2,090,764, G>A on the plus strand (C>T on the coding strand, the complement: PKD1 is on the minus strand). VCF-style: chr16-2090764-G-A. GRCh37 (hg19) VCF-style: chr16-2140765-G-A.
Other names: c.12048C>T (NM_001009944.2); c.12045C>T, p.Gly4015= (NM_000296.4).
Identifiers: ClinVar variation 997222 (VCV000997222.4), dbSNP rs756122519, ClinGen allele CA7828858.